The following is an entry in ClinVar:

ClinVar aggregate classification (germline): Likely pathogenic (1 of 4 stars; one submission).

Conditions:
Joubert syndrome. Also called: Familial aplasia of the vermis; CEREBELLOPARENCHYMAL DISORDER IV; JOUBERT-BOLTSHAUSER SYNDROME. Identifiers: Orphanet 475, MedGen C5979921, MONDO:0018772.

Submission:

Labcorp Genetics (formerly Invitae), Labcorp
Classification: Likely pathogenic for Joubert syndrome. Last evaluated: 2024-01-26. Review status: criteria provided, single submitter. Criteria: Invitae Variant Classification Sherloc (09022015). Collection method: clinical testing. Allele origin: germline.
Comment: This variant is a gross deletion of the genomic region encompassing exon(s) 20-22 of the AHI1 gene. This variant would be expected to be in-frame, preserving the integrity of the reading frame. A similar copy number variant has been observed in individual(s) with retinitis pigmentosa (Invitae). In at least one individual the data is consistent with being in trans (on the opposite chromosome) from a pathogenic variant. In summary, the currently available evidence indicates that the variant is pathogenic, but additional data are needed to prove that conclusively. Therefore, this variant has been classified as Likely Pathogenic.

NC_000006.12:g.(?_135394756)_(135411564_?)del

Gene: AHI1 (Abelson helper integration site 1; minus strand). Cytogenetic location: 6q23.3.
Variant type: Deletion.
Identifiers: ClinVar variation 583596 (VCV000583596.10).